The following is an entry in ClinVar:

NM_002769.5(PRSS1):c.305A>G (p.Lys102Arg)

Genes: PRSS1 (serine protease 1; plus strand), TRB (T cell receptor beta locus; plus strand). Cytogenetic location: 7q34.
Variant type: single nucleotide variant.
Coding change: c.305A>G on transcript NM_002769.5 (MANE Select); coding-DNA position 305, A replaced by G.
Protein change: p.Lys102Arg; replaces lysine 102 with arginine.
Molecular consequence: missense variant. On other transcripts: non-coding transcript variant (4).
Genome position (GRCh38, 1-based): chr7:142,751,878, A>G. VCF-style: chr7-142751878-A-G. GRCh37 (hg19) VCF-style: chr7-142459729-A-G.
Other names: short protein forms K102R.
Identifiers: ClinVar variation 3222796 (VCV003222796.1), dbSNP rs778568523, ClinGen allele CA4529920.

ClinVar aggregate classification (germline): Uncertain significance (1 of 4 stars; one submission).

Conditions:
Hereditary pancreatitis (PCTT). Also called: Hereditary chronic pancreatitis; PRSS1-Related Hereditary Pancreatitis. Identifiers: Orphanet 676, MedGen C0238339, MONDO:0008185, OMIM 167800.

Allele frequency attached by ClinVar (database versions not stated): ExAC 0.00001.

Submission:

Ambry Genetics
Classification: Uncertain significance for Hereditary pancreatitis. Last evaluated: 2024-02-04. Review status: criteria provided, single submitter. Criteria: Ambry Variant Classification Scheme 2023. Collection method: clinical testing. Allele origin: germline.
Comment: The p.K102R variant (also known as c.305A>G), located in coding exon 3 of the PRSS1 gene, results from an A to G substitution at nucleotide position 305. The lysine at codon 102 is replaced by arginine, an amino acid with highly similar properties. This amino acid position is conserved. In addition, this alteration is predicted to be tolerated by in silico analysis. Based on the available evidence, the clinical significance of this alteration remains unclear.